The following is an entry in ClinVar:

ClinVar aggregate classification (germline): Likely benign. Review status: criteria provided, single submitter (1 of 4 stars). 2 submissions from 2 submitters: Likely benign (1). 1 of the submissions does not count toward it. Last evaluated 2023-06-17.

Conditions:
LAMA5-related disorder. Also called: LAMA5-related condition; LAMA5-Related Disorders.

Allele frequency attached by ClinVar (database versions not stated): TOPMed 0.00018; gnomAD 0.00024 and 0.00026; ESP Exome Variant Server 0.00039; ExAC 0.00014; gnomAD exomes 0.00009.
gnomAD v4.1: 443 of 1,603,846 alleles (0.028%); highest among the groups gnomAD compares: Non-Finnish European, 0.036%; no homozygotes.

Submissions (2):

Labcorp Genetics (formerly Invitae), Labcorp
Classification: Likely benign. Last evaluated: 2023-06-17. Review status: criteria provided, single submitter. Criteria: Invitae Variant Classification Sherloc (09022015). Collection method: clinical testing. Allele origin: germline.

PreventionGenetics, part of Exact Sciences
Classification: Likely benign for LAMA5-related condition. Last evaluated: 2019-06-12. Review status: no assertion criteria provided. Collection method: clinical testing. Allele origin: germline. Not counted in ClinVar's aggregate classification.
Comment: This variant is classified as likely benign based on ACMG/AMP sequence variant interpretation guidelines (Richards et al. 2015 PMID: 25741868, with internal and published modifications).

NM_005560.6(LAMA5):c.4569C>T (p.Val1523=)

Gene: LAMA5 (laminin subunit alpha 5; minus strand). Cytogenetic location: 20q13.33.
Variant type: single nucleotide variant.
Coding change: c.4569C>T on transcript NM_005560.6 (MANE Select); coding-DNA position 4569, C replaced by T.
Protein change: p.Val1523=; no amino-acid change (valine 1523 retained).
Molecular consequence: synonymous variant.
Genome position (GRCh38, 1-based): chr20:62,328,324, G>A on the plus strand (C>T on the coding strand, the complement: LAMA5 is on the minus strand). VCF-style: chr20-62328324-G-A. GRCh37 (hg19) VCF-style: chr20-60903380-G-A.
Identifiers: ClinVar variation 708062 (VCV000708062.8), dbSNP rs143580785, ClinGen allele CA9942559.